The following is an entry in ClinVar:

ClinVar aggregate classification (germline): Uncertain significance (0 of 4 stars; one submission).

Conditions:
DNMT3A-related disorder. Also called: DNMT3A-related condition; DNMT3A-related disorders.

gnomAD v4.1: 3 of 480,788 alleles (0.00062%); highest among the groups gnomAD compares: East Asian, 0.0072%; no homozygotes.

Submission:

PreventionGenetics, part of Exact Sciences
Classification: Uncertain significance for DNMT3A-related condition. Last evaluated: 2024-09-20. Review status: no assertion criteria provided. Collection method: clinical testing. Allele origin: germline.
Comment: The DNMT3A c.176G>C variant is predicted to result in the amino acid substitution p.Arg59Pro. To our knowledge, this variant has not been reported in the literature or in a large population database, indicating this variant is rare. At this time, the clinical significance of this variant is uncertain due to the absence of conclusive functional and genetic evidence.

NM_022552.5(DNMT3A):c.640-3667G>C

Gene: DNMT3A (DNA methyltransferase 3 alpha; minus strand). Cytogenetic location: 2p23.3.
Variant type: single nucleotide variant.
Coding change: c.640-3667G>C on transcript NM_022552.5 (MANE Select); 3667 bases into the intron before coding-DNA position 640, G replaced by C.
Molecular consequence: intron variant. On other transcripts: missense variant (1).
Genome position (GRCh38, 1-based): chr2:25,251,919, C>G on the plus strand (G>C on the coding strand, the complement: DNMT3A is on the minus strand). VCF-style: chr2-25251919-C-G. GRCh37 (hg19) VCF-style: chr2-25474788-C-G.
Other names: c.176G>C, p.Arg59Pro (NM_001320893.1); c.640-3667G>C (NM_175629.2); c.4+275G>C (NM_153759.3); c.-31+275G>C (NM_001375819.1); short protein forms R59P.
Identifiers: ClinVar variation 3345504 (VCV003345504.1).
Genomic context (GRCh38, chr2:25,251,919, plus strand): 5'-CCTCCAACCCAACTCCTGGGCCACCAGCTCCGCGTGCCCCAGCCTGCAGTTACCACTGCC[C>G]GGGCTCCCGGCCGGCTGCTCTTCCTGTCCCCCGAGGGCGCCAGGTGCCACTGGAGCCCTC-3'